The following is an entry in ClinVar:

NM_000287.4(PEX6):c.2302G>A (p.Val768Met)

Gene: PEX6 (peroxisomal biogenesis factor 6; minus strand). Cytogenetic location: 6p21.1.
Variant type: single nucleotide variant.
Coding change: c.2302G>A on transcript NM_000287.4 (MANE Select); coding-DNA position 2302, G replaced by A.
Protein change: p.Val768Met; replaces valine 768 with methionine.
Molecular consequence: missense variant.
Genome position (GRCh38, 1-based): chr6:42,966,104, C>T on the plus strand (G>A on the coding strand, the complement: PEX6 is on the minus strand). VCF-style: chr6-42966104-C-T. GRCh37 (hg19) VCF-style: chr6-42933842-C-T.
Other names: c.2038G>A, p.Val680Met (NM_001316313.2); short protein forms V680M, V768M.
Identifiers: ClinVar variation 1917506 (VCV001917506.2), dbSNP rs1434640776, ClinGen allele CA364152021.

ClinVar aggregate classification (germline): Uncertain significance (1 of 4 stars; one submission).

Conditions:
Peroxisome biogenesis disorder. Identifiers: Orphanet 79189, MedGen C1832200, MONDO:0019234. Disease mechanism: loss of function.

Allele frequency attached by ClinVar (database versions not stated): gnomAD 0.00001; TOPMed 0.00001.
gnomAD v4.1: 18 of 1,614,048 alleles (0.0011%); highest among the groups gnomAD compares: South Asian, 0.0033%; no homozygotes.

Submission:

Labcorp Genetics (formerly Invitae), Labcorp
Classification: Uncertain significance for Peroxisome biogenesis disorder. Last evaluated: 2022-09-01. Review status: criteria provided, single submitter. Criteria: Invitae Variant Classification Sherloc (09022015). Collection method: clinical testing. Allele origin: germline.
Comment: This sequence change replaces valine, which is neutral and non-polar, with methionine, which is neutral and non-polar, at codon 768 of the PEX6 protein (p.Val768Met). This variant is not present in population databases (gnomAD no frequency). This variant has not been reported in the literature in individuals affected with PEX6-related conditions. Algorithms developed to predict the effect of missense changes on protein structure and function are either unavailable or do not agree on the potential impact of this missense change (SIFT: "Deleterious"; PolyPhen-2: "Probably Damaging"; Align-GVGD: "Class C15"). In summary, the available evidence is currently insufficient to determine the role of this variant in disease. Therefore, it has been classified as a Variant of Uncertain Significance.